The following is an entry in ClinVar:

ClinVar aggregate classification (germline): Uncertain significance (1 of 4 stars; one submission).

Submission:

Women's Health and Genetics/Laboratory Corporation of America, LabCorp
Classification: Uncertain significance. Last evaluated: 2023-06-19. Review status: criteria provided, single submitter. Criteria: LabCorp Variant Classification Summary - May 2015. Collection method: clinical testing. Allele origin: germline.
Comment: Variant summary: TNPO3 c.140C>G (p.Ser47X) results in a premature termination codon, predicted to cause a truncation of the encoded protein or absence of the protein due to nonsense mediated decay. However, current evidence do not allow for conclusions whether LoF variants in TNPO3 gene cause disease. The variant was absent in 251228 control chromosomes (gnomAD). The available data on variant occurrences in the general population are insufficient to allow any conclusion about variant significance. To our knowledge, no occurrence of c.140C>G in individuals affected with Autosomal Dominant Limb-Girdle Muscular Dystrophy Type 1F and no experimental evidence demonstrating its impact on protein function have been reported. No clinical diagnostic laboratories have submitted clinical-significance assessments for this variant to ClinVar after 2014. Based on the evidence outlined above, the variant was classified as uncertain significance.

NM_012470.4(TNPO3):c.140C>G (p.Ser47Ter)

Gene: TNPO3 (transportin 3; minus strand). Cytogenetic location: 7q32.1.
Variant type: single nucleotide variant.
Coding change: c.140C>G on transcript NM_012470.4 (MANE Select); coding-DNA position 140, C replaced by G.
Protein change: p.Ser47Ter; replaces serine 47 with a stop codon.
Molecular consequence: nonsense. On other transcripts: non-coding transcript variant (18).
Genome position (GRCh38, 1-based): chr7:129,018,138, G>C on the plus strand (C>G on the coding strand, the complement: TNPO3 is on the minus strand). VCF-style: chr7-129018138-G-C. GRCh37 (hg19) VCF-style: chr7-128658192-G-C.
Other names: c.140C>G, p.Ser47Ter (NM_001191028.3, NM_001382216.1, NM_001382217.1 and 6 more transcripts); short protein forms S47*.
Identifiers: ClinVar variation 2573567 (VCV002573567.1), dbSNP rs2536430155, ClinGen allele CA369249244.